The following is an entry in ClinVar:

NM_004484.4(GPC3):c.997T>G (p.Tyr333Asp)

Gene: GPC3 (glypican 3; minus strand). Cytogenetic location: Xq26.2.
Variant type: single nucleotide variant.
Coding change: c.997T>G on transcript NM_004484.4 (MANE Select); coding-DNA position 997, T replaced by G.
Protein change: p.Tyr333Asp; replaces tyrosine 333 with aspartic acid.
Molecular consequence: missense variant.
Genome position (GRCh38, 1-based): chrX:133,753,517, A>C on the plus strand (T>G on the coding strand, the complement: GPC3 is on the minus strand). VCF-style: chrX-133753517-A-C. GRCh37 (hg19) VCF-style: chrX-132887544-A-C.
Other names: c.997T>G, p.Tyr333Asp (NM_001164617.2); c.949T>G, p.Tyr317Asp (NM_001164618.2); c.835T>G, p.Tyr279Asp (NM_001164619.2); short protein forms Y317D, Y333D, Y279D.
Identifiers: ClinVar variation 2890502 (VCV002890502.3), dbSNP rs2521352738, ClinGen allele CA414705079.

ClinVar aggregate classification (germline): Uncertain significance (1 of 4 stars; one submission).

Conditions:
Wilms tumor 1 (WT1). Also called: Wilms tumor, somatic. Identifiers: Orphanet 654, MedGen CN033288, MONDO:0008679, OMIM 194070.

Submission:

Labcorp Genetics (formerly Invitae), Labcorp
Classification: Uncertain significance for Wilms tumor 1. Last evaluated: 2024-01-02. Review status: criteria provided, single submitter. Criteria: Invitae Variant Classification Sherloc (09022015). Collection method: clinical testing. Allele origin: germline.
Comment: This sequence change replaces tyrosine, which is neutral and polar, with aspartic acid, which is acidic and polar, at codon 333 of the GPC3 protein (p.Tyr333Asp). This variant is not present in population databases (gnomAD no frequency). This variant has not been reported in the literature in individuals affected with GPC3-related conditions. Advanced modeling of protein sequence and biophysical properties (such as structural, functional, and spatial information, amino acid conservation, physicochemical variation, residue mobility, and thermodynamic stability) has been performed at Invitae for this missense variant, however the output from this modeling did not meet the statistical confidence thresholds required to predict the impact of this variant on GPC3 protein function. In summary, the available evidence is currently insufficient to determine the role of this variant in disease. Therefore, it has been classified as a Variant of Uncertain Significance.